The following is an entry in ClinVar:

NM_003742.4(ABCB11):c.1523T>C (p.Phe508Ser)

Gene: ABCB11 (ATP binding cassette subfamily B member 11; minus strand). Cytogenetic location: 2q31.1.
Variant type: single nucleotide variant.
Coding change: c.1523T>C on transcript NM_003742.4 (MANE Select); coding-DNA position 1523, T replaced by C.
Protein change: p.Phe508Ser; replaces phenylalanine 508 with serine.
Molecular consequence: missense variant.
Genome position (GRCh38, 1-based): chr2:168,971,962, A>G on the plus strand (T>C on the coding strand, the complement: ABCB11 is on the minus strand). VCF-style: chr2-168971962-A-G. GRCh37 (hg19) VCF-style: chr2-169828472-A-G.
Other names: p.Phe508Ser; short protein forms F508S.
Identifiers: ClinVar variation 1707592 (VCV001707592.3), dbSNP rs1693598529, ClinGen allele CA349115795.

ClinVar aggregate classification (germline): Uncertain significance (1 of 4 stars; one submission).

Conditions:
Benign recurrent intrahepatic cholestasis type 2 (BRIC2). Also called: Recurrent familial intrahepatic cholestasis 2. Identifiers: Orphanet 65682, Orphanet 99961, MedGen C2608083, MONDO:0011559, OMIM 605479.

Submission:

Foundation for Research in Genetics and Endocrinology, FRIGE's Institute of Human Genetics
Classification: Uncertain significance for Benign recurrent intrahepatic cholestasis type 2. Last evaluated: 2021-10-09. Review status: criteria provided, single submitter. Criteria: ACMG Guidelines, 2015. Collection method: clinical testing. Allele origin: germline. Inheritance: Autosomal recessive inheritance. Affected: yes. Observed: 1 heterozygote.
Comment: A heterozygous missense variation in exon 14 of the ABCB11 gene that results in the amino acid substitution of Serine for Phenyalanine at codon 508 was detected. The observed variant c.1523T>C (p.Phe508Ser) has not been reported in the 1000 genomes and gnomAD databases. The in silico prediction of the variant are probably damaging by PolyPhen-2(HumDiv) and damaging by SIFT and LRT. The reference codon is conserved across species. In summary, the variant meets our criteria to be classified as a variant of uncertain significance.